The following is an entry in ClinVar:

NM_014889.4(PITRM1):c.31T>A (p.Cys11Ser)

Genes: PITRM1 (pitrilysin metallopeptidase 1; minus strand), LOC130003177 (ATAC-STARR-seq lymphoblastoid silent region 2073; plus strand). Cytogenetic location: 10p15.2.
Variant type: single nucleotide variant.
Coding change: c.31T>A on transcript NM_014889.4 (MANE Select); coding-DNA position 31, T replaced by A.
Protein change: p.Cys11Ser; replaces cysteine 11 with serine.
Molecular consequence: missense variant. On other transcripts: 5 prime UTR variant (3), non-coding transcript variant (4).
Genome position (GRCh38, 1-based): chr10:3,172,742, A>T on the plus strand (T>A on the coding strand, the complement: PITRM1 is on the minus strand). VCF-style: chr10-3172742-A-T. GRCh37 (hg19) VCF-style: chr10-3214934-A-T.
Other names: c.31T>A, p.Cys11Ser (NM_001242307.2, NM_001347725.2); c.38T>A, p.Val13Glu (NM_001242309.1); c.-541T>A (NM_001347726.2, NM_001347727.2); c.-1270T>A (NM_001347728.2); short protein forms C11S, V13E.
Identifiers: ClinVar variation 2082910 (VCV002082910.5), dbSNP rs774266879, ClinGen allele CA5388376.

ClinVar aggregate classification (germline): Conflicting classifications of pathogenicity. Review status: criteria provided, conflicting classifications (1 of 4 stars). 3 submissions from 3 submitters: Uncertain significance (2); Likely benign (1). Last evaluated 2026-01-12.

Allele frequency attached by ClinVar (database versions not stated): gnomAD 0.00019; TOPMed 0.00023; ExAC 0.00024.
gnomAD v4.1: 283 of 1,545,476 alleles (0.018%); highest among the groups gnomAD compares: Admixed American, 0.031%; 1 homozygote.

Submissions (3):

Labcorp Genetics (formerly Invitae), Labcorp
Classification: Uncertain significance. Last evaluated: 2026-01-12. Review status: criteria provided, single submitter. Criteria: Invitae Variant Classification Sherloc (09022015). Collection method: clinical testing. Allele origin: germline.
Comment: This sequence change replaces valine, which is neutral and non-polar, with glutamic acid, which is acidic and polar, at codon 13 of the PITRM1 protein (p.Val13Glu). This variant is present in population databases (rs774266879, gnomAD 0.06%), including at least one homozygous and/or hemizygous individual. This variant has not been reported in the literature in individuals affected with PITRM1-related conditions. ClinVar contains an entry for this variant (Variation ID: 2082910). An algorithm developed to predict the effect of missense changes on protein structure and function (PolyPhen-2) suggests that this variant is likely to be tolerated. In summary, the available evidence is currently insufficient to determine the role of this variant in disease. Therefore, it has been classified as a Variant of Uncertain Significance.

Blueprint Genetics
Classification: Uncertain significance. Last evaluated: 2024-10-25. Review status: criteria provided, single submitter. Criteria: ACMG Guidelines, 2015. Collection method: clinical testing. Allele origin: germline.

Ambry Genetics
Classification: Likely benign. Last evaluated: 2022-08-26. Review status: criteria provided, single submitter. Criteria: Ambry Variant Classification Scheme 2023. Collection method: clinical testing. Allele origin: germline.